The following is an entry in ClinVar:

ClinVar aggregate classification (germline): Likely benign. Review status: criteria provided, single submitter (1 of 4 stars). 2 submissions from 2 submitters: Likely benign (1). 1 of the submissions does not count toward it. Last evaluated 2025-05-01.

Conditions:
LAMA5-related disorder. Also called: LAMA5-related condition; LAMA5-Related Disorders.

Allele frequency attached by ClinVar (database versions not stated): gnomAD 0.00003; TOPMed 0.00003; gnomAD exomes 0.00011; ExAC 0.00019.
gnomAD v4.1: 160 of 1,612,618 alleles (0.0099%); highest among the groups gnomAD compares: South Asian, 0.13%; no homozygotes.

Submissions (2):

Labcorp Genetics (formerly Invitae), Labcorp
Classification: Likely benign. Last evaluated: 2025-05-01. Review status: criteria provided, single submitter. Criteria: Invitae Variant Classification Sherloc (09022015). Collection method: clinical testing. Allele origin: germline.

PreventionGenetics, part of Exact Sciences
Classification: Likely benign for LAMA5-related condition. Last evaluated: 2022-02-09. Review status: no assertion criteria provided. Collection method: clinical testing. Allele origin: germline. Not counted in ClinVar's aggregate classification.
Comment: This variant is classified as likely benign based on ACMG/AMP sequence variant interpretation guidelines (Richards et al. 2015 PMID: 25741868, with internal and published modifications).

NM_005560.6(LAMA5):c.8646C>T (p.Pro2882=)

Gene: LAMA5 (laminin subunit alpha 5; minus strand). Cytogenetic location: 20q13.33.
Variant type: single nucleotide variant.
Coding change: c.8646C>T on transcript NM_005560.6 (MANE Select); coding-DNA position 8646, C replaced by T.
Protein change: p.Pro2882=; no amino-acid change (proline 2882 retained).
Molecular consequence: synonymous variant.
Genome position (GRCh38, 1-based): chr20:62,313,661, G>A on the plus strand (C>T on the coding strand, the complement: LAMA5 is on the minus strand). VCF-style: chr20-62313661-G-A. GRCh37 (hg19) VCF-style: chr20-60888717-G-A.
Identifiers: ClinVar variation 3036564 (VCV003036564.3), dbSNP rs753722149, ClinGen allele CA9940622.
Genomic context (GRCh38, chr20:62,313,661, plus strand): 5'-CGGGGCTGCGGAGCCCCTCCCAGGCTGCCCCAGGCCGGGCGGGCTCACCGTGAAGGTACT[G>A]GGGTACCCCCCGACGTAGAAGACGAAGTCGTCTGGCCGCAGGTTGAGCAGCCCCTCTGCC-3'
Protein context (NP_005551.3, residues 2872-2892): DDFVFYVGGY[Pro2882=]STFTPPPLLR